The following is an entry in ClinVar:

NM_005562.3(LAMC2):c.78A>G (p.Glu26=)

Genes: LAMC2 (laminin subunit gamma 2; plus strand), LOC126805948 (MED14-independent group 3 enhancer GRCh37_chr1:183154769-183155968; plus strand). Cytogenetic location: 1q25.3.
Variant type: single nucleotide variant.
Coding change: c.78A>G on transcript NM_005562.3 (MANE Select); coding-DNA position 78, A replaced by G.
Protein change: p.Glu26=; no amino-acid change (glutamic acid 26 retained).
Molecular consequence: synonymous variant.
Genome position (GRCh38, 1-based): chr1:183,186,430, A>G. VCF-style: chr1-183186430-A-G. GRCh37 (hg19) VCF-style: chr1-183155565-A-G.
Other names: c.78A>G, p.Glu26= (NM_018891.3).
Identifiers: ClinVar variation 2081545 (VCV002081545.3), dbSNP rs779191964, ClinGen allele CA1282181.

ClinVar aggregate classification (germline): Uncertain significance. Review status: criteria provided, multiple submitters, no conflicts (2 of 4 stars). 2 submissions from 2 submitters: Uncertain significance (2). Last evaluated 2025-03-19.

Allele frequency attached by ClinVar (database versions not stated): gnomAD 0.00005; TOPMed 0.00005; ExAC 0.00002; gnomAD exomes 0.00002.
gnomAD v4.1: 40 of 1,603,652 alleles (0.0025%); highest among the groups gnomAD compares: African/African-American, 0.008%; no homozygotes.

Submissions (2):

GeneDx
Classification: Uncertain significance. Last evaluated: 2025-03-19. Review status: criteria provided, single submitter. Criteria: GeneDx Variant Classification Process June 2021. Collection method: clinical testing. Allele origin: germline.
Comment: In silico analysis indicates that this variant does not alter splicing; Has not been previously published as pathogenic or benign to our knowledge

Labcorp Genetics (formerly Invitae), Labcorp
Classification: Uncertain significance. Last evaluated: 2021-12-22. Review status: criteria provided, single submitter. Criteria: Invitae Variant Classification Sherloc (09022015). Collection method: clinical testing. Allele origin: germline.
Comment: This sequence change affects codon 26 of the LAMC2 mRNA. It is a 'silent' change, meaning that it does not change the encoded amino acid sequence of the LAMC2 protein. It affects a nucleotide within the consensus splice site. This variant is present in population databases (rs779191964, gnomAD 0.009%). This variant has not been reported in the literature in individuals affected with LAMC2-related conditions. Algorithms developed to predict the effect of sequence changes on RNA splicing suggest that this variant is not likely to affect RNA splicing. In summary, the available evidence is currently insufficient to determine the role of this variant in disease. Therefore, it has been classified as a Variant of Uncertain Significance.